The following is an entry in ClinVar:

ClinVar aggregate classification (germline): Likely benign (1 of 4 stars; one submission).

Allele frequency attached by ClinVar (database versions not stated): gnomAD 0.00004; gnomAD exomes 0.00007; TOPMed 0.00007.
gnomAD v4.1: 25 of 399,238 alleles (0.0063%); highest among the groups gnomAD compares: Non-Finnish European, 0.011%; no homozygotes.

Submission:

GeneDx
Classification: Likely benign. Last evaluated: 2016-02-15. Review status: criteria provided, single submitter. Criteria: GeneDx Variant Classification (06012015). Collection method: clinical testing. Allele origin: germline. Affected: yes.
Comment: This variant is considered likely benign or benign based on one or more of the following criteria: it is a conservative change, it occurs at a poorly conserved position in the protein, it is predicted to be benign by multiple in silico algorithms, and/or has population frequency not consistent with disease.

NC_000016.10:g.30054780C>G

Genes: ALDOA (aldolase, fructose-bisphosphate A; plus strand), LOC112694756 (uncharaterized LOC112694756; plus strand). Cytogenetic location: 16p11.2.
Variant type: single nucleotide variant.
Molecular consequence: intron variant (on NM_001365304.2).
Genome position: GRCh38 VCF-style: chr16-30054780-C-G. GRCh37 (hg19) VCF-style: chr16-30066101-C-G.
Other names: c.7-4C>G (NM_001365307.2, NM_001365304.2); c.7-392C>G (NM_001365305.2).
Identifiers: ClinVar variation 382430 (VCV000382430.1), dbSNP rs554730607, ClinGen allele CA16608176.